The following is an entry in ClinVar:

ClinVar aggregate classification (germline): Uncertain significance (1 of 4 stars; one submission).

Submission:

Labcorp Genetics (formerly Invitae), Labcorp
Classification: Uncertain significance. Last evaluated: 2025-06-12. Review status: criteria provided, single submitter. Criteria: Invitae Variant Classification Sherloc (09022015). Collection method: clinical testing. Allele origin: germline.
Comment: This sequence change replaces glycine, which is neutral and non-polar, with glutamic acid, which is acidic and polar, at codon 611 of the COL4A3 protein (p.Gly611Glu). This variant is not present in population databases (gnomAD no frequency). This variant has not been reported in the literature in individuals affected with COL4A3-related conditions. ClinVar contains an entry for this variant (Variation ID: 1394647). Invitae Evidence Modeling of protein sequence and biophysical properties (such as structural, functional, and spatial information, amino acid conservation, physicochemical variation, residue mobility, and thermodynamic stability) indicates that this missense variant is expected to disrupt COL4A3 protein function with a positive predictive value of 80%. In summary, the available evidence is currently insufficient to determine the role of this variant in disease. Therefore, it has been classified as a Variant of Uncertain Significance.

NM_000091.5(COL4A3):c.1832G>A (p.Gly611Glu)

Genes: COL4A3 (collagen type IV alpha 3 chain; plus strand), MFF-DT (MFF divergent transcript; minus strand). Cytogenetic location: 2q36.3.
Variant type: single nucleotide variant.
Coding change: c.1832G>A on transcript NM_000091.5 (MANE Select); coding-DNA position 1832, G replaced by A.
Protein change: p.Gly611Glu; replaces glycine 611 with glutamic acid.
Molecular consequence: missense variant.
Genome position (GRCh38, 1-based): chr2:227,273,022, G>A. VCF-style: chr2-227273022-G-A. GRCh37 (hg19) VCF-style: chr2-228137738-G-A.
Other names: short protein forms G611E.
Identifiers: ClinVar variation 1394647 (VCV001394647.6), dbSNP rs2125996366, ClinGen allele CA350844882.
Genomic context (GRCh38, chr2:227,273,022, plus strand): 5'-AGAAAGGGGACCAAGGTCCTCCAGGGGATCCTGGCTCCCCTGGGTCCCCAGGACCTGCAG[G>A]ACCAGCTGGACCACCTGGCTACGGACCCCAAGGAGAACCTGGTCTCCAGGGCACGCAAGG-3'
Protein context (NP_000082.2, residues 601-621): PGSPGSPGPA[Gly611Glu]PAGPPGYGPQ